The following is an entry in ClinVar:

ClinVar aggregate classification (germline): Pathogenic (1 of 4 stars; one submission).

Conditions:
Deficiency of ferroxidase (ACEP). Also called: Aceruloplasminemia; Deficiency of ceruloplasmin; NEURODEGENERATION WITH BRAIN IRON ACCUMULATION 10; Ceruloplasmin deficiency; Familial apoceruloplasmin deficiency; Hereditary ceruloplasmin deficiency. Identifiers: Orphanet 48818, MedGen C0878682, MONDO:0011426, OMIM 604290, HP:0025498.

Allele frequency attached by ClinVar (database versions not stated): ExAC 0.00001; gnomAD 0.00001 and 0.00002; TOPMed 0.00001; ESP Exome Variant Server 0.00008.
gnomAD v4.1: 3 of 1,606,594 alleles (0.00019%); highest among the groups gnomAD compares: Middle Eastern, 0.052%; no homozygotes.

Submission:

Labcorp Genetics (formerly Invitae), Labcorp
Classification: Pathogenic for Deficiency of ferroxidase. Last evaluated: 2024-12-07. Review status: criteria provided, single submitter. Criteria: Invitae Variant Classification Sherloc (09022015). Collection method: clinical testing. Allele origin: germline.
Comment: This sequence change creates a premature translational stop signal (p.Ser833*) in the CP gene. It is expected to result in an absent or disrupted protein product. Loss-of-function variants in CP are known to be pathogenic (PMID: 16629161). This variant is present in population databases (rs369900671, gnomAD no frequency). This variant has not been reported in the literature in individuals affected with CP-related conditions. ClinVar contains an entry for this variant (Variation ID: 645495). For these reasons, this variant has been classified as Pathogenic.

Literature cited by the submitters: PubMed 16629161.

NM_000096.4(CP):c.2498C>G (p.Ser833Ter)

Gene: CP (ceruloplasmin; minus strand). Cytogenetic location: 3q24.
Variant type: single nucleotide variant.
Coding change: c.2498C>G on transcript NM_000096.4 (MANE Select); coding-DNA position 2498, C replaced by G.
Protein change: p.Ser833Ter; replaces serine 833 with a stop codon.
Molecular consequence: nonsense. On other transcripts: non-coding transcript variant (1).
Genome position (GRCh38, 1-based): chr3:149,182,061, G>C on the plus strand (C>G on the coding strand, the complement: CP is on the minus strand). VCF-style: chr3-149182061-G-C. GRCh37 (hg19) VCF-style: chr3-148899848-G-C.
Other names: short protein forms S833*.
Identifiers: ClinVar variation 645495 (VCV000645495.5), dbSNP rs369900671, ClinGen allele CA2660748.
Genomic context (GRCh38, chr3:149,182,061, plus strand): 5'-GTACCTGGTAATGTTGGAGTAACTGTAGAACTCTCTGTTTGTACCCCATGGGCATGTATT[G>C]AGTAGGGCCTTGTGGCCATGTTTTTAAAGATAATTTTGACTTTGTCTCCAACATCTGCAT-3'